The following is an entry in ClinVar:

NM_001148.6(ANK2):c.4364A>T (p.Tyr1455Phe)

Gene: ANK2 (ankyrin 2; plus strand). Cytogenetic location: 4q26.
Variant type: single nucleotide variant.
Coding change: c.4364A>T on transcript NM_001148.6 (MANE Select); coding-DNA position 4364, A replaced by T.
Protein change: p.Tyr1455Phe; replaces tyrosine 1455 with phenylalanine.
Molecular consequence: missense variant.
Genome position (GRCh38, 1-based): chr4:113,346,015, A>T. VCF-style: chr4-113346015-A-T. GRCh37 (hg19) VCF-style: chr4-114267171-A-T.
Other names: c.4337A>T, p.Tyr1446Phe (NM_001127493.3); c.4376A>T, p.Tyr1459Phe (NM_001354225.2); c.4265A>T, p.Tyr1422Phe (NM_001354228.2, NM_001354258.2); c.4343A>T, p.Tyr1448Phe (NM_001354230.2); c.4406A>T, p.Tyr1469Phe (NM_001354231.2, NM_001354242.2); c.4400A>T, p.Tyr1467Phe (NM_001354232.2); c.4361A>T, p.Tyr1454Phe (NM_001354235.2, NM_001354246.2, NM_001354265.2); c.4262A>T, p.Tyr1421Phe (NM_001354236.2); and 31 more; short protein forms Y1368F, Y1434F, Y1446F, Y1450F, Y1459F, Y1467F, Y1502F, Y255F.
Identifiers: ClinVar variation 1740040 (VCV001740040.3), dbSNP rs900258950, ClinGen allele CA103806838.

ClinVar aggregate classification (germline): Uncertain significance (1 of 4 stars; one submission).

Conditions:
Cardiovascular phenotype. Identifiers: MedGen CN230736.

gnomAD v4.1: 1 of 1,613,390 alleles (0.000062%); highest among the groups gnomAD compares: African/African-American, 0.0013%; no homozygotes.

Submission:

Ambry Genetics
Classification: Uncertain significance for Cardiovascular phenotype. Last evaluated: 2025-06-09. Review status: criteria provided, single submitter. Criteria: Ambry Variant Classification Scheme 2023. Collection method: clinical testing. Allele origin: germline.
Comment: The p.Y1455F variant (also known as c.4364A>T), located in coding exon 35 of the ANK2 gene, results from an A to T substitution at nucleotide position 4364. The tyrosine at codon 1455 is replaced by phenylalanine, an amino acid with highly similar properties. This amino acid position is highly conserved in available vertebrate species. In addition, this alteration is predicted to be tolerated by in silico analysis. Since supporting evidence is limited at this time, the clinical significance of this alteration remains unclear.